The following is an entry in ClinVar:

ClinVar aggregate classification (germline): Uncertain significance (1 of 4 stars; one submission).

Submission:

Women's Health and Genetics/Laboratory Corporation of America, LabCorp
Classification: Uncertain significance. Last evaluated: 2017-06-16. Review status: criteria provided, single submitter. Criteria: LabCorp Variant Classification Summary - May 2015. Collection method: clinical testing. Allele origin: germline.
Comment: Variant summary: The FAM175A c.1155G>C (p.Met385Ile) variant involves the alteration of a non-conserved nucleotide, resulting in a missense substitution. 4/4 in silico tools predict a benign outcome for this variant (SNPsandGO not captured due the tool being non-functional). This variant is absent from the large control database ExAC (0/121386 control chromosomes). The variant of interest has not, to our knowledge, been reported in affected individuals via publications and/or reputable databases/clinical diagnostic laboratories, nor has it been evaluated for functional impact by in vivo/vitro studies. Because of the absence of clinical information and the lack of functional studies, the variant is classified as a variant of uncertain significance (VUS) until additional information becomes available.

NM_139076.3(ABRAXAS1):c.1155G>C (p.Met385Ile)

Gene: ABRAXAS1 (abraxas 1, BRCA1 A complex subunit; minus strand). Cytogenetic location: 4q21.23.
Variant type: single nucleotide variant.
Coding change: c.1155G>C on transcript NM_139076.3 (MANE Select); coding-DNA position 1155, G replaced by C.
Protein change: p.Met385Ile; replaces methionine 385 with isoleucine.
Molecular consequence: missense variant.
Genome position (GRCh38, 1-based): chr4:83,462,544, C>G on the plus strand (G>C on the coding strand, the complement: ABRAXAS1 is on the minus strand). VCF-style: chr4-83462544-C-G. GRCh37 (hg19) VCF-style: chr4-84383697-C-G.
Other names: c.828G>C, p.Met276Ile (NM_001345962.2); short protein forms M385I, M276I.
Identifiers: ClinVar variation 496529 (VCV000496529.1), dbSNP rs1553936012, ClinGen allele CA357255011.